The following is an entry in ClinVar:

ClinVar aggregate classification (germline): Likely benign (1 of 4 stars; one submission).

Allele frequency attached by ClinVar (database versions not stated): ExAC 0.00081; ESP Exome Variant Server 0.00108; gnomAD exomes 0.00109; gnomAD 0.00120.
gnomAD v4.1: 1,758 of 1,599,582 alleles (0.11%); highest among the groups gnomAD compares: Non-Finnish European, 0.13%; 2 homozygotes.

Submission:

CeGaT Center for Human Genetics Tuebingen
Classification: Likely benign. Last evaluated: 2025-02-01. Review status: criteria provided, single submitter. Criteria: CeGaT Center For Human Genetics Tuebingen Variant Classification Criteria Version 2. Collection method: clinical testing. Allele origin: germline. Affected: yes. Observed: 2 variant alleles.
Comment: POTEF: BP4, BP7

NM_001099771.2(POTEF):c.282C>G (p.Leu94=)

Gene: POTEF (POTE ankyrin domain family member F; minus strand). Cytogenetic location: 2q21.1.
Variant type: single nucleotide variant.
Coding change: c.282C>G on transcript NM_001099771.2 (MANE Select); coding-DNA position 282, C replaced by G.
Protein change: p.Leu94=; no amino-acid change (leucine 94 retained).
Molecular consequence: synonymous variant.
Genome position (GRCh38, 1-based): chr2:130,120,234, G>C on the plus strand (C>G on the coding strand, the complement: POTEF is on the minus strand). VCF-style: chr2-130120234-G-C. GRCh37 (hg19) VCF-style: chr2-130877807-G-C.
Identifiers: ClinVar variation 2651351 (VCV002651351.24), dbSNP rs367701864, ClinGen allele CA1868649.